The following is an entry in ClinVar:

ClinVar aggregate classification (germline): Pathogenic (1 of 4 stars; one submission).

Submission:

CeGaT Center for Human Genetics Tuebingen
Classification: Pathogenic. Last evaluated: 2026-03-01. Review status: criteria provided, single submitter. Criteria: CeGaT Center For Human Genetics Tuebingen Variant Classification Criteria Version 2. Collection method: clinical testing. Allele origin: germline. Affected: yes. Observed: 1 variant allele.
Comment: SIX3: PVS1, PM2

NM_005413.4(SIX3):c.361del (p.Ala121fs)

Gene: SIX3 (SIX homeobox 3; plus strand). Cytogenetic location: 2p21.
Variant type: Deletion.
Coding change: c.361del on transcript NM_005413.4 (MANE Select); coding-DNA position 361, one base deleted (G; older notation c.361delG).
Protein change: p.Ala121fs; shifts the reading frame from alanine 121.
Molecular consequence: frameshift variant.
Genome position (GRCh38, 1-based): chr2:44,942,465, G deleted; the last of 4 consecutive G bases (chr2:44,942,462-44,942,465); deleting any one gives the same sequence. VCF-style (leftmost placement, unchanged base first): chr2-44942461-CG-C. GRCh37 (hg19) VCF-style: chr2-45169600-CG-C.
Other names: short protein forms A121fs.
Identifiers: ClinVar variation 4823500 (VCV004823500.4).